The following is an entry in ClinVar:

ClinVar aggregate classification (germline): Uncertain significance (1 of 4 stars; one submission).

Conditions:
Cardiovascular phenotype. Identifiers: MedGen CN230736.

gnomAD v4.1: 2 of 1,614,216 alleles (0.00012%); highest among the groups gnomAD compares: African/African-American, 0.0013%; no homozygotes.

Submission:

Ambry Genetics
Classification: Uncertain significance for Cardiovascular phenotype. Last evaluated: 2025-07-11. Review status: criteria provided, single submitter. Criteria: Ambry Variant Classification Scheme 2023. Collection method: clinical testing. Allele origin: germline.
Comment: The p.V158L variant (also known as c.472G>T), located in coding exon 4 of the SCN1B gene, results from a G to T substitution at nucleotide position 472. The valine at codon 158 is replaced by leucine, an amino acid with highly similar properties. This amino acid position is highly conserved in available vertebrate species. In addition, the in silico prediction for this alteration is inconclusive. Based on the available evidence, the clinical significance of this variant remains unclear.

NM_001037.5(SCN1B):c.472G>T (p.Val158Leu)

Gene: SCN1B (sodium voltage-gated channel beta subunit 1; plus strand). Cytogenetic location: 19q13.11.
Variant type: single nucleotide variant.
Coding change: c.472G>T on transcript NM_001037.5 (MANE Select); coding-DNA position 472, G replaced by T.
Protein change: p.Val158Leu; replaces valine 158 with leucine.
Molecular consequence: missense variant.
Genome position (GRCh38, 1-based): chr19:35,039,140, G>T. VCF-style: chr19-35039140-G-T. GRCh37 (hg19) VCF-style: chr19-35530044-G-T.
Other names: c.373G>T, p.Val125Leu (NM_001321605.2); short protein forms V125L, V158L.
Identifiers: ClinVar variation 4160588 (VCV004160588.1).